The following is an entry in ClinVar:

ClinVar aggregate classification (germline): Uncertain significance (0 of 4 stars; one submission).

Conditions:
DIAPH3-related disorder. Also called: DIAPH3-related condition.

Allele frequency attached by ClinVar (database versions not stated): gnomAD exomes below 0.00001; ExAC 0.00001; TOPMed 0.00001; ESP Exome Variant Server 0.00008.
gnomAD v4.1: 7 of 1,613,936 alleles (0.00043%); highest among the groups gnomAD compares: Non-Finnish European, 0.00051%; no homozygotes.

Submission:

PreventionGenetics, part of Exact Sciences
Classification: Uncertain significance for DIAPH3-related condition. Last evaluated: 2024-04-24. Review status: no assertion criteria provided. Collection method: clinical testing. Allele origin: germline.
Comment: The DIAPH3 c.1868A>G variant is predicted to result in the amino acid substitution p.Asn623Ser. To our knowledge, this variant has not been reported in the literature. This variant is reported in 0.0029% of alleles in individuals of Latino descent in gnomAD. At this time, the clinical significance of this variant is uncertain due to the absence of conclusive functional and genetic evidence.

NM_001042517.2(DIAPH3):c.1868A>G (p.Asn623Ser)

Gene: DIAPH3 (diaphanous related formin 3; minus strand). Cytogenetic location: 13q21.2.
Variant type: single nucleotide variant.
Coding change: c.1868A>G on transcript NM_001042517.2 (MANE Select); coding-DNA position 1868, A replaced by G.
Protein change: p.Asn623Ser; replaces asparagine 623 with serine.
Molecular consequence: missense variant.
Genome position (GRCh38, 1-based): chr13:59,970,943, T>C on the plus strand (A>G on the coding strand, the complement: DIAPH3 is on the minus strand). VCF-style: chr13-59970943-T-C. GRCh37 (hg19) VCF-style: chr13-60545077-T-C.
Other names: c.1835A>G, p.Asn612Ser (NM_001258366.2); c.1730A>G, p.Asn577Ser (NM_001258367.2); c.1658A>G, p.Asn553Ser (NM_001258368.2); c.1868A>G, p.Asn623Ser (NM_001258369.2); c.1079A>G, p.Asn360Ser (NM_001258370.2, NM_030932.4); short protein forms N360S, N553S, N577S, N612S, N623S.
Identifiers: ClinVar variation 2636693 (VCV002636693.2), dbSNP rs370587598, ClinGen allele CA6996557.